The following is an entry in ClinVar:

NM_145725.3(TRAF3):c.53C>T (p.Pro18Leu)

Gene: TRAF3 (TNF receptor associated factor 3; plus strand). Cytogenetic location: 14q32.32.
Variant type: single nucleotide variant.
Coding change: c.53C>T on transcript NM_145725.3 (MANE Select); coding-DNA position 53, C replaced by T.
Protein change: p.Pro18Leu; replaces proline 18 with leucine.
Molecular consequence: missense variant.
Genome position (GRCh38, 1-based): chr14:102,870,254, C>T. VCF-style: chr14-102870254-C-T. GRCh37 (hg19) VCF-style: chr14-103336591-C-T.
Other names: c.53C>T, p.Pro18Leu (NM_001385143.1, NM_003300.4, NM_145726.3 and 2 more transcripts); short protein forms P18L.
Identifiers: ClinVar variation 3328410 (VCV003328410.3).

ClinVar aggregate classification (germline): Uncertain significance. Review status: criteria provided, multiple submitters, no conflicts (2 of 4 stars). 2 submissions from 2 submitters: Uncertain significance (2). Last evaluated 2024-10-28.

Conditions:
Immunodeficiency 132A. Also called: Herpes simplex encephalitis, susceptibility to, 3. Identifiers: Orphanet 1930, MedGen C3553868, MONDO:0013920, OMIM 614849.

gnomAD v4.1: 35 of 1,614,068 alleles (0.0022%); highest among the groups gnomAD compares: South Asian, 0.024%; no homozygotes.

Submissions (2):

Labcorp Genetics (formerly Invitae), Labcorp
Classification: Uncertain significance for Immunodeficiency 132A. Last evaluated: 2024-10-28. Review status: criteria provided, single submitter. Criteria: Invitae Variant Classification Sherloc (09022015). Collection method: clinical testing. Allele origin: germline.
Comment: This sequence change replaces proline, which is neutral and non-polar, with leucine, which is neutral and non-polar, at codon 18 of the TRAF3 protein (p.Pro18Leu). This variant is present in population databases (rs145456077, gnomAD 0.04%). This variant has not been reported in the literature in individuals affected with TRAF3-related conditions. An algorithm developed to predict the effect of missense changes on protein structure and function outputs the following: PolyPhen-2: "Benign". The leucine amino acid residue is found in multiple mammalian species, which suggests that this missense change does not adversely affect protein function. In summary, the available evidence is currently insufficient to determine the role of this variant in disease. Therefore, it has been classified as a Variant of Uncertain Significance.

Ambry Genetics
Classification: Uncertain significance. Last evaluated: 2024-05-02. Review status: criteria provided, single submitter. Criteria: Ambry Variant Classification Scheme 2023. Collection method: clinical testing. Allele origin: germline.